The following is an entry in ClinVar:

NM_019074.4(DLL4):c.875C>T (p.Ser292Phe)

Gene: DLL4 (delta like canonical Notch ligand 4; plus strand). Cytogenetic location: 15q15.1.
Variant type: single nucleotide variant.
Coding change: c.875C>T on transcript NM_019074.4 (MANE Select); coding-DNA position 875, C replaced by T.
Protein change: p.Ser292Phe; replaces serine 292 with phenylalanine.
Molecular consequence: missense variant.
Genome position (GRCh38, 1-based): chr15:40,934,572, C>T. VCF-style: chr15-40934572-C-T. GRCh37 (hg19) VCF-style: chr15-41226770-C-T.
Other names: short protein forms S292F.
Identifiers: ClinVar variation 1048922 (VCV001048922.1), dbSNP rs775291009, ClinGen allele CA7487799.

ClinVar aggregate classification (germline): Uncertain significance (0 of 4 stars; one submission).

Allele frequency attached by ClinVar (database versions not stated): gnomAD exomes below 0.00001; ExAC 0.00001; TOPMed 0.00001.
gnomAD v4.1: 2 of 1,613,872 alleles (0.00012%); highest among the groups gnomAD compares: African/African-American, 0.0013%; no homozygotes.

Submission:

Department of Pathology and Laboratory Medicine, Sinai Health System
Classification: Uncertain significance. Review status: no assertion criteria provided. Collection method: clinical testing. Allele origin: unknown. Affected: yes. Study: The Canadian Open Genetics Repository (COGR).
Comment: The DLL4 p.(Ser292Phe) variant was not identified in the literature nor was it identified in the ClinVar, Cosmic, MutDB or LOVD 3.0 databases. The variant was identified in one control database in 1 of 245918 chromosomes at a frequency of 0.000004 (Genome Aggregation Database Feb 27, 2017). The variant was observed in the following population: African in 1 of 15258 chromosomes (freq: 0.000066); it was not observed in the Ashkenazi Jewish, East Asian, European (Finnish), European (Non-Finnish), Latino, Other and South Asian populations. The p.Ser292 residue is not conserved in mammals and computational analyses (PolyPhen-2, SIFT, AlignGVGD, BLOSUM, MutationTaster) provide inconsistent predictions regarding the impact to the protein; this information is not very predictive of pathogenicity. In summary, based on the above information the clinical significance of this variant cannot be determined with certainty at this time. This variant is classified as a variant of uncertain significance.